The following is an entry in ClinVar:

NM_000179.3(MSH6):c.1194G>A (p.Val398=)

Gene: MSH6 (mutS homolog 6; plus strand). Cytogenetic location: 2p16.3.
Variant type: single nucleotide variant.
Coding change: c.1194G>A on transcript NM_000179.3 (MANE Select); coding-DNA position 1194, G replaced by A.
Protein change: p.Val398=; no amino-acid change (valine 398 retained).
Molecular consequence: synonymous variant.
Genome position (GRCh38, 1-based): chr2:47,799,177, G>A. VCF-style: chr2-47799177-G-A. GRCh37 (hg19) VCF-style: chr2-48026316-G-A.
Other names: c.804G>A, p.Val268= (NM_001281492.2); c.288G>A, p.Val96= (NM_001281493.2, NM_001281494.2).
Identifiers: ClinVar variation 186409 (VCV000186409.19), dbSNP rs148116863, ClinGen allele CA008312.

ClinVar aggregate classification (germline): Benign/Likely benign. Review status: criteria provided, multiple submitters, no conflicts (2 of 4 stars). 4 submissions from 4 submitters: Benign (1); Likely benign (3). Last evaluated 2026-01-12.

Conditions:
Hereditary cancer-predisposing syndrome. Also called: Neoplastic Syndromes, Hereditary; Tumor predisposition; Hereditary Cancer Syndrome; Hereditary neoplastic syndrome. Identifiers: Orphanet 140162, MedGen C0027672, MeSH D009386, MONDO:0015356.
Hereditary nonpolyposis colorectal neoplasms. Identifiers: MedGen C0009405, MeSH D003123.
Lynch syndrome 5 (LYNCH5). Also called: Colorectal cancer, hereditary nonpolyposis, type 5; Hereditary non-polyposis colorectal cancer, type 5. Identifiers: Orphanet 144, MedGen C1833477, MONDO:0013710, OMIM 614350. Disease mechanism: loss of function.

Allele frequency attached by ClinVar (database versions not stated): gnomAD exomes below 0.00001 and 0.00001; ExAC 0.00002; gnomAD 0.00002; TOPMed 0.00002; ESP Exome Variant Server 0.00008.

Submissions (4):

Labcorp Genetics (formerly Invitae), Labcorp
Classification: Likely benign for Hereditary nonpolyposis colorectal neoplasms. Last evaluated: 2026-01-12. Review status: criteria provided, single submitter. Criteria: Invitae Variant Classification Sherloc (09022015). Collection method: clinical testing. Allele origin: germline.

Myriad Genetics, Inc.
Classification: Benign for Lynch syndrome 5. Last evaluated: 2024-12-23. Review status: criteria provided, single submitter. Criteria: Myriad Autosomal Dominant, Autosomal Recessive and X-Linked Classification Criteria (2023). Collection method: clinical testing. Allele origin: unknown.
Comment: This variant is considered benign. This variant is a silent/synonymous amino acid change and it is not expected to impact splicing.

Color Diagnostics, LLC DBA Color Health
Classification: Likely benign for Hereditary cancer-predisposing syndrome. Last evaluated: 2022-11-06. Review status: criteria provided, single submitter. Criteria: ACMG Guidelines, 2015. Collection method: clinical testing. Allele origin: germline.

Ambry Genetics
Classification: Likely benign for Hereditary cancer-predisposing syndrome. Last evaluated: 2014-10-06. Review status: criteria provided, single submitter. Criteria: Ambry Variant Classification Scheme 2023. Collection method: clinical testing. Allele origin: germline.